The following is an entry in ClinVar:

ClinVar aggregate classification (germline): Uncertain significance (1 of 4 stars; one submission).

Submission:

GeneDx
Classification: Uncertain significance. Last evaluated: 2022-09-15. Review status: criteria provided, single submitter. Criteria: GeneDx Variant Classification Process June 2021. Collection method: clinical testing. Allele origin: germline. Affected: yes.
Comment: Not observed at significant frequency in large population cohorts (gnomAD); In silico analysis supports that this missense variant does not alter protein structure/function; Has not been previously published as pathogenic or benign to our knowledge

NM_000245.4(MET):c.2995G>A (p.Glu999Lys)

Gene: MET (MET proto-oncogene, receptor tyrosine kinase; plus strand). Cytogenetic location: 7q31.2.
Variant type: single nucleotide variant.
Coding change: c.2995G>A on transcript NM_000245.4 (MANE Select); coding-DNA position 2995, G replaced by A.
Protein change: p.Glu999Lys; replaces glutamic acid 999 with lysine.
Molecular consequence: missense variant.
Genome position (GRCh38, 1-based): chr7:116,771,956, G>A. VCF-style: chr7-116771956-G-A. GRCh37 (hg19) VCF-style: chr7-116412010-G-A.
Other names: c.3049G>A, p.Glu1017Lys (NM_001127500.3); c.1705G>A, p.Glu569Lys (NM_001324402.2); short protein forms E1017K, E569K, E999K.
Identifiers: ClinVar variation 2444577 (VCV002444577.1), dbSNP rs1404824650, ClinGen allele CA368987362.